The following is an entry in ClinVar:

NM_138817.3(SLC7A13):c.800_801delinsAA (p.Arg267Lys)

Gene: SLC7A13 (solute carrier family 7 member 13; minus strand). Cytogenetic location: 8q21.3.
Variant type: Indel.
Coding change: c.800_801delinsAA on transcript NM_138817.3 (MANE Select); coding-DNA positions 800 to 801, GG replaced by AA.
Protein change: p.Arg267Lys; replaces arginine 267 with lysine.
Molecular consequence: missense variant.
Genome position (GRCh38, 1-based): chr8:86,222,988-86,222,989, CC replaced by TT on the plus strand (GG replaced by AA on the coding strand, the reverse complement: SLC7A13 is on the minus strand). VCF-style: chr8-86222988-CC-TT. GRCh37 (hg19) VCF-style: chr8-87235217-CC-TT.
Other names: short protein forms R267K.
Identifiers: ClinVar variation 3706287 (VCV003706287.2).
Genomic context (GRCh38, chr8:86,222,988, plus strand): 5'-AGGACCAGCACTTTATTTATTGCTTTAGCCATTTGCATACAAACCTGAAGAGAGAATTTC[CC>TT]TGGGTGTCAGAACAGTCAGATAGGAAATGTTAACCAGTAAATAAACTACAGTCACCAGAG-3'
Protein context (NP_620172.2, residues 257-277): NISYLTVLTP[Arg267Lys]EILSSDAVAI

ClinVar aggregate classification (germline): Uncertain significance (1 of 4 stars; one submission).

Submission:

Labcorp Genetics (formerly Invitae), Labcorp
Classification: Uncertain significance. Last evaluated: 2024-05-23. Review status: criteria provided, single submitter. Criteria: Invitae Variant Classification Sherloc (09022015). Collection method: clinical testing. Allele origin: germline.
Comment: This sequence change replaces arginine, which is basic and polar, with lysine, which is basic and polar, at codon 267 of the SLC7A13 protein (p.Arg267Lys). This variant is present in population databases (no rsID available, gnomAD 0.02%). This variant has not been reported in the literature in individuals affected with SLC7A13-related conditions. An algorithm developed to predict the effect of missense changes on protein structure and function (PolyPhen-2) suggests that this variant is likely to be tolerated. In summary, the available evidence is currently insufficient to determine the role of this variant in disease. Therefore, it has been classified as a Variant of Uncertain Significance.